The following is an entry in ClinVar:

NM_003632.3(CNTNAP1):c.3582T>G (p.Ile1194Met)

Gene: CNTNAP1 (contactin associated protein 1; plus strand). Cytogenetic location: 17q21.2.
Variant type: single nucleotide variant.
Coding change: c.3582T>G on transcript NM_003632.3 (MANE Select); coding-DNA position 3582, T replaced by G.
Protein change: p.Ile1194Met; replaces isoleucine 1194 with methionine.
Molecular consequence: missense variant.
Genome position (GRCh38, 1-based): chr17:42,697,567, T>G. VCF-style: chr17-42697567-T-G. GRCh37 (hg19) VCF-style: chr17-40849585-T-G.
Other names: short protein forms I1194M.
Identifiers: ClinVar variation 3697692 (VCV003697692.2).

ClinVar aggregate classification (germline): Uncertain significance (1 of 4 stars; one submission).

gnomAD v4.1: 5 of 1,614,042 alleles (0.00031%); highest among the groups gnomAD compares: Non-Finnish European, 0.00042%; no homozygotes.

Submission:

Labcorp Genetics (formerly Invitae), Labcorp
Classification: Uncertain significance. Last evaluated: 2024-08-14. Review status: criteria provided, single submitter. Criteria: Invitae Variant Classification Sherloc (09022015). Collection method: clinical testing. Allele origin: germline.
Comment: This sequence change replaces isoleucine, which is neutral and non-polar, with methionine, which is neutral and non-polar, at codon 1194 of the CNTNAP1 protein (p.Ile1194Met). This variant is present in population databases (rs200797891, gnomAD 0.0009%). This variant has not been reported in the literature in individuals affected with CNTNAP1-related conditions. An algorithm developed to predict the effect of missense changes on protein structure and function (PolyPhen-2) suggests that this variant is likely to be disruptive. In summary, the available evidence is currently insufficient to determine the role of this variant in disease. Therefore, it has been classified as a Variant of Uncertain Significance.